The following is an entry in ClinVar:

NM_004304.5(ALK):c.3835A>C (p.Arg1279=)

Gene: ALK (ALK receptor tyrosine kinase; minus strand). Cytogenetic location: 2p23.2.
Variant type: single nucleotide variant.
Coding change: c.3835A>C on transcript NM_004304.5 (MANE Select); coding-DNA position 3835, A replaced by C.
Protein change: p.Arg1279=; no amino-acid change (arginine 1279 retained).
Molecular consequence: synonymous variant.
Genome position (GRCh38, 1-based): chr2:29,209,787, T>G on the plus strand (A>C on the coding strand, the complement: ALK is on the minus strand). VCF-style: chr2-29209787-T-G. GRCh37 (hg19) VCF-style: chr2-29432653-T-G.
Other names: c.631A>C, p.Arg211= (NM_001353765.2).
Identifiers: ClinVar variation 663435 (VCV000663435.8), dbSNP rs1573102711, ClinGen allele CA425434618.

ClinVar aggregate classification (germline): Uncertain significance (1 of 4 stars; one submission).

Conditions:
Neuroblastoma, susceptibility to, 3. Also called: ALK-Related Neuroblastic Tumor Susceptibility. Identifiers: Orphanet 635, MedGen C2751681, MONDO:0013083, OMIM 613014.

Submission:

Labcorp Genetics (formerly Invitae), Labcorp
Classification: Uncertain significance for Neuroblastoma, susceptibility to, 3. Last evaluated: 2018-11-10. Review status: criteria provided, single submitter. Criteria: Invitae Variant Classification Sherloc (09022015). Collection method: clinical testing. Allele origin: germline.
Comment: In summary, the available evidence is currently insufficient to determine the role of this variant in disease. Therefore, it has been classified as a Variant of Uncertain Significance. Algorithms developed to predict the effect of sequence changes on RNA splicing suggest that this variant is not likely to affect RNA splicing, but this prediction has not been confirmed by published transcriptional studies. This variant has not been reported in the literature in individuals with ALK-related disease. This variant is not present in population databases (ExAC no frequency). This sequence change affects codon 1279 of the ALK mRNA. It is a 'silent' change, meaning that it does not change the encoded amino acid sequence of the ALK protein.